The following is an entry in ClinVar:

ClinVar aggregate classification (germline): Uncertain significance (1 of 4 stars; one submission).

Conditions:
Hypoproteinemia, hypercatabolic (IMD43). Also called: IMMUNODEFICIENCY 43; BETA-2-MICROGLOBULIN DEFICIENCY; B2M DEFICIENCY; MHC CLASS I DEFICIENCY 4. Identifiers: MedGen C1855796, MONDO:0009434, OMIM 241600.

gnomAD v4.1: 5 of 1,614,202 alleles (0.00031%); highest among the groups gnomAD compares: South Asian, 0.0011%; no homozygotes.

Submission:

Labcorp Genetics (formerly Invitae), Labcorp
Classification: Uncertain significance for Hypoproteinemia, hypercatabolic. Last evaluated: 2024-12-26. Review status: criteria provided, single submitter. Criteria: Invitae Variant Classification Sherloc (09022015). Collection method: clinical testing. Allele origin: germline.
Comment: This sequence change replaces arginine, which is basic and polar, with histidine, which is basic and polar, at codon 101 of the B2M protein (p.Arg101His). This variant is not present in population databases (gnomAD no frequency). This variant has not been reported in the literature in individuals affected with B2M-related conditions. An algorithm developed to predict the effect of missense changes on protein structure and function outputs the following: PolyPhen-2: "Benign". The histidine amino acid residue is found in multiple mammalian species, which suggests that this missense change does not adversely affect protein function. In summary, the available evidence is currently insufficient to determine the role of this variant in disease. Therefore, it has been classified as a Variant of Uncertain Significance.

NM_004048.4(B2M):c.302G>A (p.Arg101His)

Gene: B2M (beta-2-microglobulin; plus strand). Cytogenetic location: 15q21.1.
Variant type: single nucleotide variant.
Coding change: c.302G>A on transcript NM_004048.4 (MANE Select); coding-DNA position 302, G replaced by A.
Protein change: p.Arg101His; replaces arginine 101 with histidine.
Molecular consequence: missense variant.
Genome position (GRCh38, 1-based): chr15:44,715,657, G>A. VCF-style: chr15-44715657-G-A. GRCh37 (hg19) VCF-style: chr15-45007855-G-A.
Other names: short protein forms R101H.
Identifiers: ClinVar variation 3615379 (VCV003615379.2).